The following is an entry in ClinVar:

ClinVar aggregate classification (germline): Likely pathogenic (1 of 4 stars; one submission).

Conditions:
Nemaline myopathy 2 (NEM2). Also called: Nemaline myopathy 2, autosomal recessive. Identifiers: MedGen C1850569, MONDO:0009725, OMIM 256030.

Submission:

Myriad Genetics, Inc.
Classification: Likely pathogenic for Nemaline myopathy 2. Last evaluated: 2022-03-03. Review status: criteria provided, single submitter. Criteria: Myriad Women's Health Autosomal Recessive and X-Linked Classification Criteria (2021). Collection method: clinical testing. Allele origin: unknown.
Comment: NM_001271208.1(NEB):c.10169_10170insCT(W3390Cfs*3) is expected to be pathogenic in the context of NEB-related nemaline myopathy. This variant is predicted to lead to an abnormal or absent protein product due to the creation of a premature termination codon in NEB, a gene where loss-of-function variants are known to be pathogenic. Please note: this variant was assessed in the context of healthy population screening.

NM_001164508.2(NEB):c.10169_10170insCT (p.Trp3390fs)

Gene: NEB (nebulin; minus strand). Cytogenetic location: 2q23.3.
Variant type: Insertion.
Coding change: c.10169_10170insCT on transcript NM_001164508.2 (MANE Select); coding-DNA positions 10169 to 10170, CT inserted.
Protein change: p.Trp3390fs; shifts the reading frame from tryptophan 3390.
Molecular consequence: frameshift variant.
Genome position: GRCh38 VCF-style: chr2-151627179-C-CAG. GRCh37 (hg19) VCF-style: chr2-152483693-C-CAG.
Other names: c.10169_10170insCT, p.Trp3390fs (NM_001164507.2, NM_001271208.2); c.9440_9441insCT, p.Trp3147fs (NM_004543.5); short protein forms W3147fs, W3390fs.
Identifiers: ClinVar variation 1724970 (VCV001724970.2), dbSNP rs2552236315, ClinGen allele CA2580064014.